The following is an entry in ClinVar:

GRCh37/hg19 22q11.21(chr22:20730996-21465342)x1

Genes: AIFM3 (AIF family member 3; plus strand), CRKL (CRK like proto-oncogene, adaptor protein; plus strand), KLHL22 (kelch like family member 22; minus strand), LZTR1 (leucine zipper like post translational regulator 1; plus strand), MED15 (mediator complex subunit 15; plus strand) and 9 more. Cytogenetic location: 22q11.21.
Variant type: copy number loss.
Change: copy number 1 (one copy instead of two) of chr22:20,730,996-21,465,342 (734.3 kb, GRCh37 coordinates, 1-based), cytogenetic band 22q11.21.
Identifiers: ClinVar variation 1180541 (VCV001180541.4).

ClinVar aggregate classification (germline): Pathogenic (1 of 4 stars; one submission).

Submission:

Illumina Laboratory Services, Illumina
Classification: Pathogenic. Last evaluated: 2019-10-10. Review status: criteria provided, single submitter. Criteria: ICSL CNVClassificationCriteria Jul2020Prior. Collection method: clinical testing. Allele origin: unknown.
Comment: This CNV is a 734 kb deletion of 22q11.21 on chromosome 22, (seq[GRCh37]del(22)(22q11.21); chr22:g.20730996_21465342del) found in a de novo state. This CNV constitutes a loss affecting 23 genes and closely overlaps the central 22q11.2 recurrent region (LCR22B-LCR22D) (McDonald-McGinn et al. 2015). The number of low complexity regions at the 22q11.21 locus results in a high rate of meiotic error and nonallelic homologous recombination. The LCR22B-LCR22D region overlaps the distal portion of the larger interval associated with DiGeorge syndrome but does not include the candidate DGS critical genes. Deletion of the B-D central region is associated with variable clinical features, including facial dysmorphism, growth restriction, CNS anomalies, seizures, developmental delay/intellectual disability, psychiatric or behavioral problems, skeletal anomalies, and congenital heart defects (Rump et al. 2014; Verhagen et al. 2012; Burside et al. 2015). Approximately 60% of deletions represent de novo events, but incomplete penetrance is recognized in addition to variable expressivity. Based on the collective evidence, this CNV is classified as pathogenic.

Literature cited by the submitters: PubMed 22893440; PubMed 25123976; PubMed 26278718; PubMed 27189754.